The following is an entry in ClinVar:

NM_014425.5(INVS):c.1171C>T (p.His391Tyr)

Gene: INVS (inversin; plus strand). Cytogenetic location: 9q31.1.
Variant type: single nucleotide variant.
Coding change: c.1171C>T on transcript NM_014425.5 (MANE Select); coding-DNA position 1171, C replaced by T.
Protein change: p.His391Tyr; replaces histidine 391 with tyrosine.
Molecular consequence: missense variant. On other transcripts: non-coding transcript variant (1).
Genome position (GRCh38, 1-based): chr9:100,252,375, C>T. VCF-style: chr9-100252375-C-T. GRCh37 (hg19) VCF-style: chr9-103014657-C-T.
Other names: c.883C>T, p.His295Tyr (NM_001318381.2); c.193C>T, p.His65Tyr (NM_001318382.2); short protein forms H295Y, H391Y, H65Y.
Identifiers: ClinVar variation 1364275 (VCV001364275.8), dbSNP rs1181379253, ClinGen allele CA374364450.

ClinVar aggregate classification (germline): Uncertain significance (1 of 4 stars; one submission).

Conditions:
Nephronophthisis. Also called: Juvenile Nephronophthisis. Identifiers: Orphanet 655, MedGen C0687120, MONDO:0019005, HP:0000090.

Submission:

Labcorp Genetics (formerly Invitae), Labcorp
Classification: Uncertain significance for Nephronophthisis. Last evaluated: 2023-11-27. Review status: criteria provided, single submitter. Criteria: Invitae Variant Classification Sherloc (09022015). Collection method: clinical testing. Allele origin: germline.
Comment: This sequence change replaces histidine, which is basic and polar, with tyrosine, which is neutral and polar, at codon 391 of the INVS protein (p.His391Tyr). This variant is not present in population databases (gnomAD no frequency). This variant has not been reported in the literature in individuals affected with INVS-related conditions. ClinVar contains an entry for this variant (Variation ID: 1364275). An algorithm developed to predict the effect of missense changes on protein structure and function (PolyPhen-2) suggests that this variant is likely to be disruptive. In summary, the available evidence is currently insufficient to determine the role of this variant in disease. Therefore, it has been classified as a Variant of Uncertain Significance.